The following is an entry in ClinVar:

ClinVar aggregate classification (germline): Uncertain significance (1 of 4 stars; one submission).

gnomAD v4.1: 11 of 1,609,638 alleles (0.00068%); highest among the groups gnomAD compares: Non-Finnish European, 0.00093%; no homozygotes.

Submission:

Mayo Clinic Laboratories, Mayo Clinic
Classification: Uncertain significance. Last evaluated: 2025-05-26. Review status: criteria provided, single submitter. Criteria: ACMG Guidelines, 2015. Collection method: clinical testing. Allele origin: germline. Observed: 1 variant allele.
Comment: PM2_supporting

NM_144585.4(SLC22A12):c.1549G>A (p.Glu517Lys)

Gene: SLC22A12 (solute carrier family 22 member 12; plus strand). Cytogenetic location: 11q13.1.
Variant type: single nucleotide variant.
Coding change: c.1549G>A on transcript NM_144585.4 (MANE Select); coding-DNA position 1549, G replaced by A.
Protein change: p.Glu517Lys; replaces glutamic acid 517 with lysine.
Molecular consequence: missense variant.
Genome position (GRCh38, 1-based): chr11:64,600,889, G>A. VCF-style: chr11-64600889-G-A. GRCh37 (hg19) VCF-style: chr11-64368361-G-A.
Other names: p.Glu517Lys; c.1447G>A, p.Glu483Lys (NM_001276326.2); c.1225G>A, p.Glu409Lys (NM_001276327.2); c.886G>A, p.Glu296Lys (NM_153378.3); short protein forms E409K, E483K, E296K, E517K.
Identifiers: ClinVar variation 4541629 (VCV004541629.1).
Genomic context (GRCh38, chr11:64,600,889, plus strand): 5'-CCCTTGCTGGTGTATGGGACGGTGCCAGTGCTGAGTGGCCTGGCCGCACTGCTTCTGCCC[G>A]AGACCCAGAGCTTGCCGCTGCCCGACACCATCCAAGATGTGCAGAACCAGTGAGTGGACC-3'
Protein context (NP_653186.2, residues 507-527): LSGLAALLLP[Glu517Lys]TQSLPLPDTI